The following is an entry in ClinVar:

NM_031407.7(HUWE1):c.10087A>G (p.Ser3363Gly)

Gene: HUWE1 (HECT, UBA and WWE domain containing E3 ubiquitin protein ligase 1; minus strand). Cytogenetic location: Xp11.22.
Variant type: single nucleotide variant.
Coding change: c.10087A>G on transcript NM_031407.7 (MANE Select); coding-DNA position 10087, A replaced by G.
Protein change: p.Ser3363Gly; replaces serine 3363 with glycine.
Molecular consequence: missense variant.
Genome position (GRCh38, 1-based): chrX:53,548,222, T>C on the plus strand (A>G on the coding strand, the complement: HUWE1 is on the minus strand). VCF-style: chrX-53548222-T-C. GRCh37 (hg19) VCF-style: chrX-53575183-T-C.
Other names: c.10087A>G (NM_031407.4); short protein forms S3363G.
Identifiers: ClinVar variation 1704600 (VCV001704600.4), dbSNP rs1334902591, ClinGen allele CA413136764.
Genomic context (GRCh38, chrX:53,548,222, plus strand): 5'-CACTGCTGGAGGACTGTGAGGAGCATGGGCTACAGGCCTTATTGCCCCTTTCCCGATCAC[T>C]CTCACAGTTTGTTTCTTTGGTCCGCTGCTGTGTGAAGTGGCTGGGAAATACCTGCCGGGA-3'
Protein context (NP_113584.3, residues 3353-3373): QQRTKETNCE[Ser3363Gly]DRERGNKACS

ClinVar aggregate classification (germline): Uncertain significance. Review status: criteria provided, multiple submitters, no conflicts (2 of 4 stars). 3 submissions from 3 submitters: Uncertain significance (3). Last evaluated 2024-07-31.

Allele frequency attached by ClinVar (database versions not stated): TOPMed 0.00002.

Submissions (3):

GeneDx
Classification: Uncertain significance. Last evaluated: 2024-07-31. Review status: criteria provided, single submitter. Criteria: GeneDx Variant Classification Process June 2021. Collection method: clinical testing. Allele origin: germline. Affected: yes.
Comment: Not observed at significant frequency in large population cohorts (gnomAD); In silico analysis indicates that this missense variant does not alter protein structure/function; Has not been previously published as pathogenic or benign to our knowledge

Labcorp Genetics (formerly Invitae), Labcorp
Classification: Uncertain significance. Last evaluated: 2024-04-10. Review status: criteria provided, single submitter. Criteria: Invitae Variant Classification Sherloc (09022015). Collection method: clinical testing. Allele origin: germline.
Comment: This sequence change replaces serine, which is neutral and polar, with glycine, which is neutral and non-polar, at codon 3363 of the HUWE1 protein (p.Ser3363Gly). This variant is present in population databases (no rsID available, gnomAD 0.02%). This variant has not been reported in the literature in individuals affected with HUWE1-related conditions. ClinVar contains an entry for this variant (Variation ID: 1704600). Advanced modeling of protein sequence and biophysical properties (such as structural, functional, and spatial information, amino acid conservation, physicochemical variation, residue mobility, and thermodynamic stability) has been performed at Invitae for this missense variant, however the output from this modeling did not meet the statistical confidence thresholds required to predict the impact of this variant on HUWE1 protein function. In summary, the available evidence is currently insufficient to determine the role of this variant in disease. Therefore, it has been classified as a Variant of Uncertain Significance.

Women's Health and Genetics/Laboratory Corporation of America, LabCorp
Classification: Uncertain significance. Last evaluated: 2022-07-29. Review status: criteria provided, single submitter. Criteria: LabCorp Variant Classification Summary - May 2015. Collection method: clinical testing. Allele origin: germline.
Comment: Variant summary: HUWE1 c.10087A>G (p.Ser3363Gly) results in a non-conservative amino acid change in the encoded protein sequence. Three of five in-silico tools predict a benign effect of the variant on protein function. The variant was absent in 176395 control chromosomes. The available data on variant occurrences in the general population are insufficient to allow any conclusion about variant significance. To our knowledge, no occurrence of c.10087A>G in individuals affected with Intellectual Disability, X-Linked Syndromic, Turner Type and no experimental evidence demonstrating its impact on protein function have been reported. No clinical diagnostic laboratories have submitted clinical-significance assessments for this variant to ClinVar after 2014. Based on the evidence outlined above, the variant was classified as uncertain significance.